The following is an entry in ClinVar:

NM_000899.5(KITLG):c.415G>A (p.Glu139Lys)

Gene: KITLG (KIT ligand; minus strand). Cytogenetic location: 12q21.32.
Variant type: single nucleotide variant.
Coding change: c.415G>A on transcript NM_000899.5 (MANE Select); coding-DNA position 415, G replaced by A.
Protein change: p.Glu139Lys; replaces glutamic acid 139 with lysine.
Molecular consequence: missense variant.
Genome position (GRCh38, 1-based): chr12:88,516,439, C>T on the plus strand (G>A on the coding strand, the complement: KITLG is on the minus strand). VCF-style: chr12-88516439-C-T. GRCh37 (hg19) VCF-style: chr12-88910216-C-T.
Other names: c.415G>A, p.Glu139Lys (NM_003994.6); short protein forms E139K.
Identifiers: ClinVar variation 4754284 (VCV004754284.1).

ClinVar aggregate classification (germline): Uncertain significance (1 of 4 stars; one submission).

gnomAD v4.1: 7 of 1,608,480 alleles (0.00044%); highest among the groups gnomAD compares: Non-Finnish European, 0.00059%; no homozygotes.

Submission:

Labcorp Genetics (formerly Invitae), Labcorp
Classification: Uncertain significance. Last evaluated: 2025-08-14. Review status: criteria provided, single submitter. Criteria: Invitae Variant Classification Sherloc (09022015). Collection method: clinical testing. Allele origin: germline.
Comment: This sequence change replaces glutamic acid, which is acidic and polar, with lysine, which is basic and polar, at codon 139 of the KITLG protein (p.Glu139Lys). This variant is not present in population databases (gnomAD no frequency). This variant has not been reported in the literature in individuals affected with KITLG-related conditions. Invitae Evidence Modeling of protein sequence and biophysical properties (such as structural, functional, and spatial information, amino acid conservation, physicochemical variation, residue mobility, and thermodynamic stability) indicates that this missense variant is not expected to disrupt KITLG protein function with a negative predictive value of 80%. In summary, the available evidence is currently insufficient to determine the role of this variant in disease. Therefore, it has been classified as a Variant of Uncertain Significance.